The following is an entry in ClinVar:

ClinVar aggregate classification (germline): Uncertain significance. Review status: criteria provided, multiple submitters, no conflicts (2 of 4 stars). 3 submissions from 3 submitters: Uncertain significance (3). Last evaluated 2025-11-17.

Conditions:
Arrhythmogenic cardiomyopathy with wooly hair and keratoderma. Also called: Dilated cardiomyopathy with woolly hair and keratoderma; Arrhythmogenic cardiomyopathy with woolly hair and keratoderma; PALMOPLANTAR KERATODERMA WITH LEFT VENTRICULAR CARDIOMYOPATHY AND WOOLLY HAIR; Carvajal syndrome. Identifiers: Orphanet 65282, MedGen C1854063, MONDO:0011581, OMIM 605676.
Arrhythmogenic right ventricular dysplasia 8 (ARVD8). Also called: Arrhythmogenic Right Ventricular Dysplasia/Cardiomyopathy 8; ARRHYTHMOGENIC RIGHT VENTRICULAR DYSPLASIA, FAMILIAL, 8; ARRHYTHMOGENIC RIGHT VENTRICULAR CARDIOMYOPATHY 8. Identifiers: MedGen C1843896, MONDO:0011831, OMIM 607450.
Cardiomyopathy (CMYO). Also called: Cardiomyopathies. Identifiers: Orphanet 167848, MedGen C0878544, MONDO:0004994, HP:0001638. Inheritance: Various modes of inheritance.

Allele frequency attached by ClinVar (database versions not stated): gnomAD 0.00003.
gnomAD v4.1: 5 of 1,614,108 alleles (0.00031%); highest among the groups gnomAD compares: Non-Finnish European, 0.00042%; no homozygotes.

Submissions (3):

Color Diagnostics, LLC DBA Color Health
Classification: Uncertain significance for Cardiomyopathy. Last evaluated: 2025-11-17. Review status: criteria provided, single submitter. Criteria: ACMG Guidelines, 2015. Collection method: clinical testing. Allele origin: germline.
Comment: This missense variant replaces isoleucine with phenylalanine at codon 2530 of the DSP protein. Computational prediction suggests that this variant may not impact protein structure and function. To our knowledge, functional studies have not been reported for this variant. This variant has not been reported in individuals affected with DSP-related disorders in the literature. This variant has been identified in 1/31392 chromosomes in the general population by the Genome Aggregation Database (gnomAD). The available evidence is insufficient to determine the role of this variant in disease conclusively. Therefore, this variant is classified as a Variant of Uncertain Significance.

Labcorp Genetics (formerly Invitae), Labcorp
Classification: Uncertain significance for Arrhythmogenic cardiomyopathy with wooly hair and keratoderma; Arrhythmogenic right ventricular dysplasia 8. Last evaluated: 2020-06-29. Review status: criteria provided, single submitter. Criteria: Invitae Variant Classification Sherloc (09022015). Collection method: clinical testing. Allele origin: germline.
Comment: This variant is not present in population databases (ExAC no frequency). This sequence change replaces isoleucine with phenylalanine at codon 2530 of the DSP protein (p.Ile2530Phe). The isoleucine residue is highly conserved and there is a small physicochemical difference between isoleucine and phenylalanine. This variant has not been reported in the literature in individuals with DSP-related conditions. ClinVar contains an entry for this variant (Variation ID: 44954). In summary, the available evidence is currently insufficient to determine the role of this variant in disease. Therefore, it has been classified as a Variant of Uncertain Significance. Algorithms developed to predict the effect of missense changes on protein structure and function are either unavailable or do not agree on the potential impact of this missense change (SIFT: "Deleterious"; PolyPhen-2: "Benign"; Align-GVGD: "Class C0").

Laboratory for Molecular Medicine, Mass General Brigham Personalized Medicine
Classification: Uncertain significance. Last evaluated: 2011-12-21. Review status: criteria provided, single submitter. Criteria: LMM Criteria. Collection method: clinical testing. Allele origin: germline. Observed: 1 variant allele.
Comment: The Ile2530Phe variant (DSP) has not been previously reported nor previously ide ntified by our laboratory. Isoleucine (Ile) at position 2530 is moderately conse rved in evolutionarily distant species (frog has a valine (Val) at this position ), and this information is insufficient to predict if a change would impact the protein. Computational tools (PolyPhen2, SIFT) predict that a change to phenylal anine (Phe) would impact the protein, though the accuracy of these tools is unkn own. Additional information is needed to fully assess the clinical significance of the Ile2530Phe variant.

NM_004415.4(DSP):c.7588A>T (p.Ile2530Phe)

Gene: DSP (desmoplakin; plus strand). Cytogenetic location: 6p24.3.
Variant type: single nucleotide variant.
Coding change: c.7588A>T on transcript NM_004415.4 (MANE Select); coding-DNA position 7588, A replaced by T.
Protein change: p.Ile2530Phe; replaces isoleucine 2530 with phenylalanine.
Molecular consequence: missense variant.
Genome position (GRCh38, 1-based): chr6:7,584,850, A>T. VCF-style: chr6-7584850-A-T. GRCh37 (hg19) VCF-style: chr6-7585083-A-T.
Other names: c.5791A>T, p.Ile1931Phe (NM_001008844.3); c.6259A>T, p.Ile2087Phe (NM_001319034.2); short protein forms I2530F, I1931F, I2087F.
Identifiers: ClinVar variation 44954 (VCV000044954.14), dbSNP rs397516958, ClinGen allele CA007241.